The following is an entry in ClinVar:

ClinVar aggregate classification (germline): Likely pathogenic (1 of 4 stars; one submission).

Conditions:
Dilated cardiomyopathy 1G (CMD1G). Identifiers: Orphanet 154, MedGen C1858763, MONDO:0011400, OMIM 604145.
Autosomal recessive limb-girdle muscular dystrophy type 2J (LGMDR10). Also called: Limb-girdle muscular dystrophy, type 2J; MUSCULAR DYSTROPHY, LIMB-GIRDLE, AUTOSOMAL RECESSIVE 10. Identifiers: Orphanet 140922, MedGen C1837342, MONDO:0012127, OMIM 608807.

Submission:

Labcorp Genetics (formerly Invitae), Labcorp
Classification: Likely pathogenic for Dilated cardiomyopathy 1G; Autosomal recessive limb-girdle muscular dystrophy type 2J. Last evaluated: 2024-10-14. Review status: criteria provided, single submitter. Criteria: Invitae Variant Classification Sherloc (09022015). Collection method: clinical testing. Allele origin: germline.
Comment: This sequence change creates a premature translational stop signal (p.His21284Profs*3) in the TTN gene. While this is not anticipated to result in nonsense mediated decay, it is expected to create a truncated TTN protein. This variant is not present in population databases (gnomAD no frequency). This variant has not been reported in the literature in individuals affected with TTN-related conditions. This variant is located in the A band of TTN (PMID: 25589632). Truncating variants in this region are significantly overrepresented in patients affected with dilated cardiomyopathy (PMID: 25589632). Truncating variants in this region have also been reported in individuals affected with autosomal recessive centronuclear myopathy (PMID: 23975875). In summary, the currently available evidence indicates that the variant is pathogenic, but additional data are needed to prove that conclusively. Therefore, this variant has been classified as Likely Pathogenic.

Literature cited by the submitters: PubMed 25589632; PubMed 23975875.

NM_001267550.2(TTN):c.63851_63864del (p.His21284fs)

Genes: TTN (titin; minus strand), TTN-AS1 (TTN antisense RNA 1; plus strand). Cytogenetic location: 2q31.2.
Variant type: Deletion.
Coding change: c.63851_63864del on transcript NM_001267550.2 (MANE Select); coding-DNA positions 63851 to 63864, 14 bases deleted (ATGTGTCCTGGGCC).
Protein change: p.His21284fs; shifts the reading frame from histidine 21284.
Molecular consequence: frameshift variant.
Genome position (GRCh38, 1-based): chr2:178,587,347-178,587,360, GGCCCAGGACACAT deleted on the plus strand (ATGTGTCCTGGGCC on the coding strand, the reverse complement: TTN is on the minus strand); deleting any 14 consecutive bases within chr2:178,587,347-178,587,363 gives the same sequence; the c. name uses the placement nearest the transcript's 3' end. VCF-style (leftmost placement, unchanged base first): chr2-178587346-GGGCCCAGGACACAT-G. GRCh37 (hg19) VCF-style: chr2-179452073-GGGCCCAGGACACAT-G.
Other names: c.58928_58941del, p.His19643fs (NM_001256850.1); c.36656_36669del, p.His12219fs (NM_003319.4); c.56147_56160del, p.His18716fs (NM_133378.4); c.37031_37044del, p.His12344fs (NM_133432.3); c.37232_37245del, p.His12411fs (NM_133437.4); short protein forms H12219fs, H19643fs, H18716fs, H12344fs, H12411fs, H21284fs.
Identifiers: ClinVar variation 2921820 (VCV002921820.3), dbSNP rs2469285580, ClinGen allele CA2740096068.